The following is an entry in ClinVar:

NM_006445.4(PRPF8):c.3053A>G (p.Asn1018Ser)

Gene: PRPF8 (pre-mRNA processing factor 8; minus strand). Cytogenetic location: 17p13.3.
Variant type: single nucleotide variant.
Coding change: c.3053A>G on transcript NM_006445.4 (MANE Select); coding-DNA position 3053, A replaced by G.
Protein change: p.Asn1018Ser; replaces asparagine 1018 with serine.
Molecular consequence: missense variant.
Genome position (GRCh38, 1-based): chr17:1,675,159, T>C on the plus strand (A>G on the coding strand, the complement: PRPF8 is on the minus strand). VCF-style: chr17-1675159-T-C. GRCh37 (hg19) VCF-style: chr17-1578453-T-C.
Other names: short protein forms N1018S.
Identifiers: ClinVar variation 1411799 (VCV001411799.8), dbSNP rs2151127313, ClinGen allele CA397543869.

ClinVar aggregate classification (germline): Uncertain significance (1 of 4 stars; one submission).

Submission:

Labcorp Genetics (formerly Invitae), Labcorp
Classification: Uncertain significance. Last evaluated: 2024-08-13. Review status: criteria provided, single submitter. Criteria: Invitae Variant Classification Sherloc (09022015). Collection method: clinical testing. Allele origin: germline.
Comment: This sequence change replaces asparagine, which is neutral and polar, with serine, which is neutral and polar, at codon 1018 of the PRPF8 protein (p.Asn1018Ser). This variant is not present in population databases (gnomAD no frequency). This variant has not been reported in the literature in individuals affected with PRPF8-related conditions. ClinVar contains an entry for this variant (Variation ID: 1411799). Advanced modeling of protein sequence and biophysical properties (such as structural, functional, and spatial information, amino acid conservation, physicochemical variation, residue mobility, and thermodynamic stability) performed at Invitae indicates that this missense variant is not expected to disrupt PRPF8 protein function with a negative predictive value of 80%. In summary, the available evidence is currently insufficient to determine the role of this variant in disease. Therefore, it has been classified as a Variant of Uncertain Significance.